The following is an entry in ClinVar:

ClinVar aggregate classification (germline): Likely benign. Review status: criteria provided, single submitter (1 of 4 stars). 2 submissions from 2 submitters: Likely benign (1). 1 of the submissions does not count toward it. Last evaluated 2026-02-02.

Conditions:
STXBP2-related disorder. Also called: STXBP2-related condition.
Familial hemophagocytic lymphohistiocytosis 5. Also called: STXBP2-Related Familial Hemophagocytic Lymphohistiocytosis (STXBP2-fHLH). Identifiers: Orphanet 540, MedGen C2751293, MONDO:0013135, OMIM 613101.

Allele frequency attached by ClinVar (database versions not stated): ExAC 0.00001; gnomAD exomes 0.00001; gnomAD 0.00008; 1000 Genomes Project 30x 0.00016; TOPMed 0.00017; 1000 Genomes Project 0.00020.
gnomAD v4.1: 22 of 1,614,110 alleles (0.0014%); highest among the groups gnomAD compares: Admixed American, 0.028%; no homozygotes.

Submissions (2):

Labcorp Genetics (formerly Invitae), Labcorp
Classification: Likely benign for Familial hemophagocytic lymphohistiocytosis 5. Last evaluated: 2026-02-02. Review status: criteria provided, single submitter. Criteria: Invitae Variant Classification Sherloc (09022015). Collection method: clinical testing. Allele origin: germline.

PreventionGenetics, part of Exact Sciences
Classification: Likely benign for STXBP2-related condition. Last evaluated: 2019-06-19. Review status: no assertion criteria provided. Collection method: clinical testing. Allele origin: germline. Not counted in ClinVar's aggregate classification.
Comment: This variant is classified as likely benign based on ACMG/AMP sequence variant interpretation guidelines (Richards et al. 2015 PMID: 25741868, with internal and published modifications).

NM_006949.4(STXBP2):c.1761G>A (p.Leu587=)

Gene: STXBP2 (syntaxin binding protein 2; plus strand). Cytogenetic location: 19p13.2.
Variant type: single nucleotide variant.
Coding change: c.1761G>A on transcript NM_006949.4 (MANE Select); coding-DNA position 1761, G replaced by A.
Protein change: p.Leu587=; no amino-acid change (leucine 587 retained).
Molecular consequence: synonymous variant. On other transcripts: non-coding transcript variant (1).
Genome position (GRCh38, 1-based): chr19:7,647,789, G>A. VCF-style: chr19-7647789-G-A. GRCh37 (hg19) VCF-style: chr19-7712675-G-A.
Other names: c.1752G>A, p.Leu584= (NM_001127396.3); c.1794G>A, p.Leu598= (NM_001272034.2); c.1761G>A (NM_006949.3).
Identifiers: ClinVar variation 1102683 (VCV001102683.11), dbSNP rs532356732, ClinGen allele CA9144333.